The following is an entry in ClinVar:

NM_000719.7(CACNA1C):c.2541T>A (p.Asp847Glu)

Gene: CACNA1C (calcium voltage-gated channel subunit alpha1 C; plus strand). Cytogenetic location: 12p13.33.
Variant type: single nucleotide variant.
Coding change: c.2541T>A on transcript NM_000719.7 (MANE Select); coding-DNA position 2541, T replaced by A.
Protein change: p.Asp847Glu; replaces aspartic acid 847 with glutamic acid.
Molecular consequence: missense variant.
Genome position (GRCh38, 1-based): chr12:2,593,223, T>A. VCF-style: chr12-2593223-T-A. GRCh37 (hg19) VCF-style: chr12-2702389-T-A.
Other names: c.2541T>A, p.Asp847Glu (NM_001129827.2, NM_001129829.2, NM_001129830.3 and 18 more transcripts); c.2532T>A, p.Asp844Glu (NM_001129844.2); short protein forms D844E, D847E.
Identifiers: ClinVar variation 3714715 (VCV003714715.2).

ClinVar aggregate classification (germline): Uncertain significance (1 of 4 stars; one submission).

Conditions:
Long QT syndrome (LQTS). Identifiers: MedGen C0023976, MeSH D008133, MONDO:0002442. Disease mechanism: loss of function. Inheritance: Various modes of inheritance.

Submission:

Labcorp Genetics (formerly Invitae), Labcorp
Classification: Uncertain significance for Long QT syndrome. Last evaluated: 2024-05-11. Review status: criteria provided, single submitter. Criteria: Invitae Variant Classification Sherloc (09022015). Collection method: clinical testing. Allele origin: germline.
Comment: This sequence change replaces aspartic acid, which is acidic and polar, with glutamic acid, which is acidic and polar, at codon 847 of the CACNA1C protein (p.Asp847Glu). This variant is not present in population databases (gnomAD no frequency). This variant has not been reported in the literature in individuals affected with CACNA1C-related conditions. Advanced modeling of protein sequence and biophysical properties (such as structural, functional, and spatial information, amino acid conservation, physicochemical variation, residue mobility, and thermodynamic stability) performed at Invitae indicates that this missense variant is not expected to disrupt CACNA1C protein function with a negative predictive value of 95%. In summary, the available evidence is currently insufficient to determine the role of this variant in disease. Therefore, it has been classified as a Variant of Uncertain Significance.